The following is an entry in ClinVar:

ClinVar aggregate classification (germline): Uncertain significance. Review status: criteria provided, multiple submitters, no conflicts (2 of 4 stars). 2 submissions from 2 submitters: Uncertain significance (2). Last evaluated 2020-07-21.

Conditions:
Thrombophilia due to protein S deficiency, autosomal recessive (THPH6). Identifiers: Orphanet 743, MedGen C3281092, MONDO:0013791, OMIM 614514. Disease mechanism: loss of function.
Thrombophilia due to protein S deficiency, autosomal dominant (THPH5). Identifiers: Orphanet 26349, Orphanet 743, MedGen C3278211, MONDO:0012868, OMIM 612336. Disease mechanism: loss of function.

Allele frequency attached by ClinVar (database versions not stated): gnomAD exomes below 0.00001; ExAC 0.00001.
gnomAD v4.1: 1 of 1,612,946 alleles (0.000062%); highest among the groups gnomAD compares: Admixed American, 0.0017%; no homozygotes.

Submissions (2):

Labcorp Genetics (formerly Invitae), Labcorp
Classification: Uncertain significance for Thrombophilia due to protein S deficiency, autosomal recessive. Last evaluated: 2020-07-21. Review status: criteria provided, single submitter. Criteria: Invitae Variant Classification Sherloc (09022015). Collection method: clinical testing. Allele origin: germline.
Comment: In summary, the available evidence is currently insufficient to determine the role of this variant in disease. Therefore, it has been classified as a Variant of Uncertain Significance. Experimental studies have shown that this intronic change disrupts normal PROS1 mRNA splicing (PMID: 29225857). This variant has been observed in individuals affected with protein S deficiency, and has been shown to segregate with disease in one of those families (PMID: 29225857). This variant is present in population databases (rs754929347, ExAC 0.009%). This sequence change falls in intron 14 of the PROS1 gene. It does not directly change the encoded amino acid sequence of the PROS1 protein.

Mendelics
Classification: Uncertain significance for Thrombophilia due to protein S deficiency, autosomal dominant. Last evaluated: 2019-05-28. Review status: criteria provided, single submitter. Criteria: Mendelics Assertion Criteria 2017. Collection method: clinical testing. Allele origin: unknown.

Literature cited by the submitters: PubMed 29225857 (cited by Labcorp Genetics (formerly Invitae), Labcorp).

NM_000313.4(PROS1):c.1871-14T>G

Gene: PROS1 (protein S; minus strand). Cytogenetic location: 3q11.1.
Variant type: single nucleotide variant.
Coding change: c.1871-14T>G on transcript NM_000313.4 (MANE Select); 14 bases into the intron before coding-DNA position 1871, T replaced by G.
Molecular consequence: intron variant.
Genome position (GRCh38, 1-based): chr3:93,874,419, A>C on the plus strand (T>G on the coding strand, the complement: PROS1 is on the minus strand). VCF-style: chr3-93874419-A-C. GRCh37 (hg19) VCF-style: chr3-93593263-A-C.
Other names: c.1967-14T>G (NM_001314077.2).
Identifiers: ClinVar variation 801989 (VCV000801989.6), dbSNP rs754929347, ClinGen allele CA2503074.
Genomic context (GRCh38, chr3:93,874,419, plus strand): 5'-GCAGCCATTATAAAAGGCATTCACTGGTGTGGCACTGAATGGAACATCTGTAAAAGGAAA[A>C]TATTAGAATATTAGTCCAAGACTTTTAGCATCTTGTTTGTTTACAGTGAGAGAAGTCATT-3'